The following is an entry in ClinVar:

ClinVar aggregate classification (germline): Uncertain significance. Review status: criteria provided, multiple submitters, no conflicts (2 of 4 stars). 3 submissions from 3 submitters: Uncertain significance (3). Last evaluated 2026-07-01.

Conditions:
Inborn genetic diseases. Identifiers: MedGen C0950123, MeSH D030342.

gnomAD v4.1: 1 of 1,209,523 alleles (0.000083%); highest among the groups gnomAD compares: East Asian, 0.003%; no homozygotes.

Submissions (3):

GeneDx
Classification: Uncertain significance. Last evaluated: 2026-07-01. Review status: criteria provided, single submitter. Criteria: GeneDx Variant Classification Process June 2021. Collection method: clinical testing. Allele origin: germline.
Comment: In silico analysis suggests that this missense variant does not alter protein structure/function; Has not been previously published as pathogenic or benign to our knowledge

Ambry Genetics
Classification: Uncertain significance for Inborn genetic diseases. Last evaluated: 2024-05-07. Review status: criteria provided, single submitter. Criteria: Ambry Variant Classification Scheme 2023. Collection method: clinical testing. Allele origin: germline.

Blueprint Genetics
Classification: Uncertain significance. Last evaluated: 2023-09-05. Review status: criteria provided, single submitter. Criteria: ACMG Guidelines, 2015. Collection method: clinical testing. Allele origin: germline.

NM_001330574.2(ZNF711):c.1631T>C (p.Val544Ala)

Gene: ZNF711 (ZFX family zinc finger ZNF711; plus strand). Cytogenetic location: Xq21.1.
Variant type: single nucleotide variant.
Coding change: c.1631T>C on transcript NM_001330574.2 (MANE Select); coding-DNA position 1631, T replaced by C.
Protein change: p.Val544Ala; replaces valine 544 with alanine.
Molecular consequence: missense variant.
Genome position (GRCh38, 1-based): chrX:85,271,035, T>C. VCF-style: chrX-85271035-T-C. GRCh37 (hg19) VCF-style: chrX-84526041-T-C.
Other names: c.1631T>C, p.Val544Ala (NM_001375431.1, NM_001375432.1, NM_001375433.1); c.1493T>C, p.Val498Ala (NM_001375434.1, NM_001375435.1, NM_001375436.1 and 2 more transcripts); short protein forms V544A, V498A.
Identifiers: ClinVar variation 3259328 (VCV003259328.4).
Genomic context (GRCh38, chrX:85,271,035, plus strand): 5'-GCAAATACTGTGACTATGAAACTGCAGAACAAGGACTGTTAAACAGGCATTTGTTGGCCG[T>C]TCACAGCAAGAATTTTCCTCATGTTTGTGTTGAGTGTGGGAAGGGTTTTCGACATCCTTC-3'
Protein context (NP_001317503.1, residues 534-554): QGLLNRHLLA[Val544Ala]HSKNFPHVCV